The following is an entry in ClinVar:

NM_032043.3(BRIP1):c.2550G>T (p.Arg850Ser)

Gene: BRIP1 (BRCA1 interacting DNA helicase 1; minus strand). Cytogenetic location: 17q23.2.
Variant type: single nucleotide variant.
Coding change: c.2550G>T on transcript NM_032043.3 (MANE Select); coding-DNA position 2550, G replaced by T.
Protein change: p.Arg850Ser; replaces arginine 850 with serine.
Molecular consequence: missense variant.
Genome position (GRCh38, 1-based): chr17:61,693,455, C>A on the plus strand (G>T on the coding strand, the complement: BRIP1 is on the minus strand). VCF-style: chr17-61693455-C-A. GRCh37 (hg19) VCF-style: chr17-59770816-C-A.
Other names: short protein forms R850S.
Identifiers: ClinVar variation 1512546 (VCV001512546.9), dbSNP rs2144185990, ClinGen allele CA400482390.
Genomic context (GRCh38, chr17:61,693,455, plus strand): 5'-ACTAGTTTTTACTCTAAGCCCAGCTGAGATCTTACCAGATATATAGCGACTTGGGTTATT[C>A]CTAAAGCGATCATCCACTAGAATAAGAGCTCCCCAATCATTTCTGTGTCTAATACATCTA-3'
Protein context (NP_114432.2, residues 840-860): GALILVDDRF[Arg850Ser]NNPSRYISGL

ClinVar aggregate classification (germline): Uncertain significance (1 of 4 stars; one submission).

Conditions:
Familial cancer of breast. Also called: hereditary breast carcinoma; Hereditary breast cancer; BREAST CANCER, FAMILIAL. Identifiers: Orphanet 227535, MedGen C0346153, MONDO:0016419, OMIM 114480. Disease mechanism: loss of function.
Fanconi anemia complementation group J. Also called: BRIP1-Related Fanconi Anemia. Identifiers: Orphanet 84, MedGen C1836860, MONDO:0012187, OMIM 609054.

Submission:

Labcorp Genetics (formerly Invitae), Labcorp
Classification: Uncertain significance for Familial cancer of breast; Fanconi anemia complementation group J. Last evaluated: 2021-02-21. Review status: criteria provided, single submitter. Criteria: Invitae Variant Classification Sherloc (09022015). Collection method: clinical testing. Allele origin: germline.
Comment: In summary, the available evidence is currently insufficient to determine the role of this variant in disease. Therefore, it has been classified as a Variant of Uncertain Significance. Algorithms developed to predict the effect of missense changes on protein structure and function (SIFT, PolyPhen-2, Align-GVGD) all suggest that this variant is likely to be tolerated, but these predictions have not been confirmed by published functional studies and their clinical significance is uncertain. This variant has not been reported in the literature in individuals with BRIP1-related conditions. This variant is not present in population databases (ExAC no frequency). This sequence change replaces arginine with serine at codon 850 of the BRIP1 protein (p.Arg850Ser). The arginine residue is moderately conserved and there is a moderate physicochemical difference between arginine and serine.